The following is an entry in ClinVar:

NM_006031.6(PCNT):c.7914-5C>T

Gene: PCNT (pericentrin; plus strand). Cytogenetic location: 21q22.3.
Variant type: single nucleotide variant.
Coding change: c.7914-5C>T on transcript NM_006031.6 (MANE Select); 5 bases into the intron before coding-DNA position 7914, C replaced by T.
Molecular consequence: intron variant.
Genome position (GRCh38, 1-based): chr21:46,430,502, C>T. VCF-style: chr21-46430502-C-T. GRCh37 (hg19) VCF-style: chr21-47850416-C-T.
Other names: c.7560-5C>T (NM_001315529.2).
Identifiers: ClinVar variation 380133 (VCV000380133.19), dbSNP rs114120845, ClinGen allele CA10080840.

ClinVar aggregate classification (germline): Benign/Likely benign. Review status: criteria provided, multiple submitters, no conflicts (2 of 4 stars). 5 submissions from 5 submitters: Benign (3); Likely benign (2). Last evaluated 2026-02-03.

Conditions:
Microcephalic osteodysplastic primordial dwarfism type II (MOPD2). Also called: Microcephalic osteodysplastic primordial dwarfism with tooth abnormalities; MOPD II; OSTEODYSPLASTIC PRIMORDIAL DWARFISM, TYPE II. Identifiers: Orphanet 2637, MedGen C0432246, MONDO:0008872, OMIM 210720.

Allele frequency attached by ClinVar (database versions not stated): gnomAD exomes 0.00059 and 0.00158; ExAC 0.00247; 1000 Genomes Project 0.00399; 1000 Genomes Project 30x 0.00468; gnomAD 0.00622 and 0.00679; ESP Exome Variant Server 0.00715; TOPMed 0.00728.
gnomAD v4.1: 1,799 of 1,550,626 alleles (0.12%); highest among the groups gnomAD compares: African/African-American, 2.2%; 19 homozygotes.

Submissions (5):

Labcorp Genetics (formerly Invitae), Labcorp
Classification: Benign. Last evaluated: 2026-02-03. Review status: criteria provided, single submitter. Criteria: Invitae Variant Classification Sherloc (09022015). Collection method: clinical testing. Allele origin: germline.

Blueprint Genetics
Classification: Likely benign. Last evaluated: 2024-11-06. Review status: criteria provided, single submitter. Criteria: ACMG Guidelines, 2015. Collection method: clinical testing. Allele origin: germline.

ARUP Laboratories, Molecular Genetics and Genomics, ARUP Laboratories
Classification: Benign for Microcephalic osteodysplastic primordial dwarfism type II. Last evaluated: 2023-09-21. Review status: criteria provided, single submitter. Criteria: ARUP Molecular Germline Variant Investigation Process 2024. Collection method: clinical testing. Allele origin: germline.

GeneDx
Classification: Likely benign. Last evaluated: 2020-10-16. Review status: criteria provided, single submitter. Criteria: GeneDx Variant Classification Process June 2021. Collection method: clinical testing. Allele origin: germline. Affected: yes.

Illumina Laboratory Services, Illumina
Classification: Benign for Microcephalic osteodysplastic primordial dwarfism type II. Last evaluated: 2017-09-25. Review status: criteria provided, single submitter. Criteria: ICSL Variant Classification Criteria 13 December 2019. Collection method: clinical testing. Allele origin: germline.
Comment: This variant was observed as part of a predisposition screen in an ostensibly healthy population. A literature search was performed for the gene, cDNA change, and amino acid change (where applicable). No publications were found based on this search. Allele frequency data from public databases was too high to be consistent with this variant causing disease. Therefore, this variant is classified as benign.